The following is an entry in ClinVar:

NM_001378454.1(ALMS1):c.9112C>G (p.Pro3038Ala)

Gene: ALMS1 (ALMS1 centrosome and basal body associated protein; plus strand). Cytogenetic location: 2p13.1.
Variant type: single nucleotide variant.
Coding change: c.9112C>G on transcript NM_001378454.1 (MANE Select); coding-DNA position 9112, C replaced by G.
Protein change: p.Pro3038Ala; replaces proline 3038 with alanine.
Molecular consequence: missense variant.
Genome position (GRCh38, 1-based): chr2:73,491,071, C>G. VCF-style: chr2-73491071-C-G. GRCh37 (hg19) VCF-style: chr2-73718198-C-G.
Other names: c.9115C>G, p.Pro3039Ala (NM_015120.4); short protein forms P3039A, P3038A.
Identifiers: ClinVar variation 393377 (VCV000393377.3), dbSNP rs370622410, ClinGen allele CA16609245.

ClinVar aggregate classification (germline): Conflicting classifications of pathogenicity. Review status: criteria provided, conflicting classifications (1 of 4 stars). 3 submissions from 3 submitters: Uncertain significance (2); Likely benign (1). Last evaluated 2024-11-13.

Conditions:
Monogenic diabetes. Identifiers: Orphanet 183625, MedGen C3888631, MONDO:0015967.
Alstrom syndrome (ALMS). Identifiers: Orphanet 64, MedGen C0268425, MONDO:0008763, OMIM 203800.

Submissions (3):

Labcorp Genetics (formerly Invitae), Labcorp
Classification: Uncertain significance for Alstrom syndrome. Last evaluated: 2024-11-13. Review status: criteria provided, single submitter. Criteria: Invitae Variant Classification Sherloc (09022015). Collection method: clinical testing. Allele origin: germline.
Comment: This sequence change replaces proline, which is neutral and non-polar, with alanine, which is neutral and non-polar, at codon 3039 of the ALMS1 protein (p.Pro3039Ala). This variant is not present in population databases (gnomAD no frequency). This variant has not been reported in the literature in individuals affected with ALMS1-related conditions. ClinVar contains an entry for this variant (Variation ID: 393377). Experimental studies and prediction algorithms are not available or were not evaluated, and the functional significance of this variant is currently unknown. In summary, the available evidence is currently insufficient to determine the role of this variant in disease. Therefore, it has been classified as a Variant of Uncertain Significance.

Blueprint Genetics
Classification: Uncertain significance. Last evaluated: 2023-03-30. Review status: criteria provided, single submitter. Criteria: ACMG Guidelines, 2015. Collection method: clinical testing. Allele origin: germline.

Personalized Diabetes Medicine Program, University of Maryland School of Medicine
Classification: Likely benign for Monogenic diabetes. Last evaluated: 2016-07-19. Review status: criteria provided, single submitter. Criteria: ACMG Guidelines, 2015. Collection method: research. Allele origin: unknown. Observed: 1 variant allele, 1 heterozygote.
Comment: ACMG Criteria: PM2, PP3, BP1, BP4